The following is an entry in ClinVar:

ClinVar aggregate classification (germline): Uncertain significance. Review status: criteria provided, multiple submitters, no conflicts (2 of 4 stars). 4 submissions from 4 submitters: Uncertain significance (4). Last evaluated 2026-03-20.

Conditions:
Hereditary cancer-predisposing syndrome. Also called: Tumor predisposition; Hereditary neoplastic syndrome; Neoplastic Syndromes, Hereditary; Hereditary Cancer Syndrome. Identifiers: Orphanet 140162, MedGen C0027672, MeSH D009386, MONDO:0015356.
Hereditary pheochromocytoma and paraganglioma. Also called: Hereditary pheochromocytoma-paraganglioma; Hereditary Paraganglioma-Pheochromocytoma Syndromes; Hereditary paragangliomas and pheochromocytomas. Identifiers: Orphanet 29072, MedGen C4274332, MONDO:0017366.
Pheochromocytoma. Also called: MAX-Related Hereditary Paraganglioma-Pheochromocytoma Syndrome. Identifiers: Orphanet 29072, MedGen C0031511, MONDO:0008233, OMIM 171300, HP:0002666.

Allele frequency attached by ClinVar (database versions not stated): gnomAD exomes below 0.00001 and 0.00001; TOPMed 0.00002; ESP Exome Variant Server 0.00008.

Submissions (4):

GeneDx
Classification: Uncertain significance. Last evaluated: 2026-03-20. Review status: criteria provided, single submitter. Criteria: GeneDx Variant Classification Process June 2021. Collection method: clinical testing. Allele origin: germline.
Comment: Has not been previously published as pathogenic or benign to our knowledge

Labcorp Genetics (formerly Invitae), Labcorp
Classification: Uncertain significance for Hereditary pheochromocytoma and paraganglioma. Last evaluated: 2025-12-12. Review status: criteria provided, single submitter. Criteria: Invitae Variant Classification Sherloc (09022015). Collection method: clinical testing. Allele origin: germline.
Comment: This sequence change replaces glycine, which is neutral and non-polar, with arginine, which is basic and polar, at codon 166 of the TMEM127 protein (p.Gly166Arg). This variant is present in population databases (rs372120755, gnomAD 0.0009%). This variant has not been reported in the literature in individuals affected with TMEM127-related conditions. ClinVar contains an entry for this variant (Variation ID: 463850). An algorithm developed to predict the effect of missense changes on protein structure and function (PolyPhen-2) suggests that this variant is likely to be disruptive. In summary, the available evidence is currently insufficient to determine the role of this variant in disease. Therefore, it has been classified as a Variant of Uncertain Significance.

Ambry Genetics
Classification: Uncertain significance for Hereditary cancer-predisposing syndrome. Last evaluated: 2025-01-12. Review status: criteria provided, single submitter. Criteria: Ambry Variant Classification Scheme 2023. Collection method: clinical testing. Allele origin: germline.
Comment: The p.G166R variant (also known as c.496G>A), located in coding exon 3 of the TMEM127 gene, results from a G to A substitution at nucleotide position 496. The glycine at codon 166 is replaced by arginine, an amino acid with dissimilar properties. This amino acid position is highly conserved in available vertebrate species. In addition, this alteration is predicted to be deleterious by in silico analysis. Based on the available evidence, the clinical significance of this variant remains unclear.

Baylor Genetics
Classification: Uncertain significance for Pheochromocytoma. Last evaluated: 2023-11-23. Review status: criteria provided, single submitter. Criteria: ACMG Guidelines, 2015. Collection method: clinical testing. Allele origin: unknown.

NM_017849.4(TMEM127):c.496G>A (p.Gly166Arg)

Gene: TMEM127 (transmembrane protein 127; minus strand). Cytogenetic location: 2q11.2.
Variant type: single nucleotide variant.
Coding change: c.496G>A on transcript NM_017849.4 (MANE Select); coding-DNA position 496, G replaced by A.
Protein change: p.Gly166Arg; replaces glycine 166 with arginine.
Molecular consequence: missense variant.
Genome position (GRCh38, 1-based): chr2:96,254,029, C>T on the plus strand (G>A on the coding strand, the complement: TMEM127 is on the minus strand). VCF-style: chr2-96254029-C-T. GRCh37 (hg19) VCF-style: chr2-96919767-C-T.
Other names: c.496G>A, p.Gly166Arg (NM_001193304.3); short protein forms G166R.
Identifiers: ClinVar variation 463850 (VCV000463850.15), dbSNP rs372120755, ClinGen allele CA52412072.